The following is an entry in ClinVar:

NM_000152.5(GAA):c.1599C>T (p.Cys533=)

Gene: GAA (alpha glucosidase; plus strand). Cytogenetic location: 17q25.3.
Variant type: single nucleotide variant.
Coding change: c.1599C>T on transcript NM_000152.5 (MANE Select); coding-DNA position 1599, C replaced by T.
Protein change: p.Cys533=; no amino-acid change (cysteine 533 retained).
Molecular consequence: synonymous variant.
Genome position (GRCh38, 1-based): chr17:80,110,988, C>T. VCF-style: chr17-80110988-C-T. GRCh37 (hg19) VCF-style: chr17-78084787-C-T.
Other names: c.1599C>T, p.Cys533= (NM_001079803.3, NM_001079804.3); c.1599C>T (LRG_673t1).
Identifiers: ClinVar variation 255354 (VCV000255354.32), dbSNP rs142766716, ClinGen allele CA8815389.

ClinVar aggregate classification (germline): Conflicting classifications of pathogenicity. Review status: criteria provided, conflicting classifications (1 of 4 stars). 9 submissions from 9 submitters: Uncertain significance (1); Likely benign (7). 1 of the submissions does not count toward it. Last evaluated 2026-01-19.

Conditions:
Cardiovascular phenotype. Identifiers: MedGen CN230736.
Glycogen storage disease, type II (IOPD). Also called: POMPE DISEASE, INFANTILE-ONSET; GLYCOGEN STORAGE DISEASE II, INFANTILE-ONSET; ACID ALPHA-GLUCOSIDASE DEFICIENCY, INFANTILE-ONSET; GAA DEFICIENCY, INFANTILE-ONSET; ACID MALTASE DEFICIENCY, INFANTILE-ONSET; GLYCOGENOSIS, GENERALIZED, CARDIAC FORM. Identifiers: Orphanet 365, MedGen C0017921, MONDO:0009290, OMIM 232300.

Allele frequency attached by ClinVar (database versions not stated): gnomAD exomes 0.00003 and 0.00007; ExAC 0.00008; gnomAD 0.00022 and 0.00025; TOPMed 0.00030; ESP Exome Variant Server 0.00031; 1000 Genomes Project 30x 0.00078; 1000 Genomes Project 0.00080.
gnomAD v4.1: 87 of 1,613,850 alleles (0.0054%); highest among the groups gnomAD compares: African/African-American, 0.1%; no homozygotes.

Submissions (9):

Labcorp Genetics (formerly Invitae), Labcorp
Classification: Likely benign for Glycogen storage disease, type II. Last evaluated: 2026-01-19. Review status: criteria provided, single submitter. Criteria: Invitae Variant Classification Sherloc (09022015). Collection method: clinical testing. Allele origin: germline.

Blueprint Genetics
Classification: Likely benign. Last evaluated: 2024-11-21. Review status: criteria provided, single submitter. Criteria: ACMG Guidelines, 2015. Collection method: clinical testing. Allele origin: germline.

Genome-Nilou Lab
Classification: Likely benign for Glycogen storage disease, type II. Last evaluated: 2021-07-22. Review status: criteria provided, single submitter. Criteria: ACMG Guidelines, 2015. Collection method: clinical testing. Allele origin: germline. Affected: no.

GeneDx
Classification: Likely benign. Last evaluated: 2021-04-13. Review status: criteria provided, single submitter. Criteria: GeneDx Variant Classification Process June 2021. Collection method: clinical testing. Allele origin: germline. Affected: yes.

Broad Center for Mendelian Genomics, Broad Institute of MIT and Harvard
Classification: Likely benign for Glycogen storage disease, type II. Last evaluated: 2020-01-22. Review status: criteria provided, single submitter. Criteria: ACMG Guidelines, 2015. Collection method: curation. Allele origin: germline. Inheritance: Autosomal recessive inheritance.
Comment: The c.1599C>T (p.Cys533=) variant in GAA has not been previously reported in individuals with Glycogen Storage Disease II but has been reported as a VUS by EGL Genetic Diagnostics and a likely benign variant by Invitae and PreventionGenetics in ClinVar (Variation ID: 255354). This variant has been identified in 0.080% (20/24944) of African chromosomes by the Genome Aggregation Database (gnomAD; dbSNP rs142766716). Although this variant has been seen in the general population, its frequency is low enough to be consistent with a recessive carrier frequency. Computational prediction tools and conservation analyses suggest that this variant may not impact the protein, though this information is not predictive enough to rule out pathogenicity. However, novel synonymous variants supported by computational evidence without raised suspicion for an impact are likely benign (Richards 2015). In summary, although additional studies are required to fully establish its clinical significance, this variant is likely benign. ACMG/AMP Criteria applied: PM2, BP4, BP7 (Richards 2015).

Ambry Genetics
Classification: Likely benign for Cardiovascular phenotype. Last evaluated: 2019-06-17. Review status: criteria provided, single submitter. Criteria: Ambry Variant Classification Scheme 2023. Collection method: clinical testing. Allele origin: germline.

Eurofins Ntd Llc (ga)
Classification: Uncertain significance. Last evaluated: 2015-11-04. Review status: criteria provided, single submitter. Criteria: EGL Classification Definitions 2015. Collection method: clinical testing. Allele origin: germline. Observed: 1 variant allele, 1 heterozygote.

PreventionGenetics, part of Exact Sciences
Classification: Likely benign. Review status: criteria provided, single submitter. Criteria: ACMG Guidelines, 2015. Collection method: clinical testing. Allele origin: germline.

Natera, Inc.
Classification: Likely benign for Glycogen storage disease type II. Last evaluated: 2020-03-18. Review status: no assertion criteria provided. Collection method: clinical testing. Allele origin: germline. Not counted in ClinVar's aggregate classification.